The following is an entry in ClinVar:

ClinVar aggregate classification (germline): Uncertain significance (1 of 4 stars; one submission).

Conditions:
Charcot-Marie-Tooth disease type 2. Also called: Charcot-Marie-Tooth type 2. Identifiers: Orphanet 64746, MedGen C0270914, MONDO:0018993.

Submission:

Labcorp Genetics (formerly Invitae), Labcorp
Classification: Uncertain significance for Charcot-Marie-Tooth disease type 2. Last evaluated: 2024-11-07. Review status: criteria provided, single submitter. Criteria: Invitae Variant Classification Sherloc (09022015). Collection method: clinical testing. Allele origin: germline.
Comment: This sequence change replaces isoleucine, which is neutral and non-polar, with phenylalanine, which is neutral and non-polar, at codon 428 of the AARS protein (p.Ile428Phe). This variant is not present in population databases (gnomAD no frequency). This variant has not been reported in the literature in individuals affected with AARS-related conditions. Invitae Evidence Modeling of protein sequence and biophysical properties (such as structural, functional, and spatial information, amino acid conservation, physicochemical variation, residue mobility, and thermodynamic stability) indicates that this missense variant is not expected to disrupt AARS protein function with a negative predictive value of 95%. In summary, the available evidence is currently insufficient to determine the role of this variant in disease. Therefore, it has been classified as a Variant of Uncertain Significance.

NM_001605.3(AARS1):c.1282A>T (p.Ile428Phe)

Gene: AARS1 (alanyl-tRNA synthetase 1; minus strand). Cytogenetic location: 16q22.1.
Variant type: single nucleotide variant.
Coding change: c.1282A>T on transcript NM_001605.3 (MANE Select); coding-DNA position 1282, A replaced by T.
Protein change: p.Ile428Phe; replaces isoleucine 428 with phenylalanine.
Molecular consequence: missense variant.
Genome position (GRCh38, 1-based): chr16:70,265,603, T>A on the plus strand (A>T on the coding strand, the complement: AARS1 is on the minus strand). VCF-style: chr16-70265603-T-A. GRCh37 (hg19) VCF-style: chr16-70299506-T-A.
Other names: short protein forms I428F.
Identifiers: ClinVar variation 3719481 (VCV003719481.2).
Genomic context (GRCh38, chr16:70,265,603, plus strand): 5'-CCAGTTTCCTCTCCTCTTCAAAGCCATCCATGTCTACCACCAGGCCCTTCTCTTCAGCAA[T>A]CAGTCCAGTCAGATCCACTGGAAACCCATAGGTGTCATAGAGGAGCCAAGCAGTGTCTCC-3'
Protein context (NP_001596.2, residues 418-438): YGFPVDLTGL[Ile428Phe]AEEKGLVVDM